The following is an entry in ClinVar:

NM_005732.4(RAD50):c.3652G>A (p.Ala1218Thr)

Genes: RAD50 (RAD50 double strand break repair protein; plus strand), TH2LCRR (T helper type 2 locus control region associated RNA; minus strand), TH2-LCR (Th2 cytokine locus control region; plus strand). Cytogenetic location: 5q31.1.
Variant type: single nucleotide variant.
Coding change: c.3652G>A on transcript NM_005732.4 (MANE Select); coding-DNA position 3652, G replaced by A.
Protein change: p.Ala1218Thr; replaces alanine 1218 with threonine.
Molecular consequence: missense variant.
Genome position (GRCh38, 1-based): chr5:132,640,705, G>A. VCF-style: chr5-132640705-G-A. GRCh37 (hg19) VCF-style: chr5-131976397-G-A.
Other names: short protein forms A1218T.
Identifiers: ClinVar variation 2863616 (VCV002863616.3), dbSNP rs1581023702, ClinGen allele CA360933834.
Genomic context (GRCh38, chr5:132,640,705, plus strand): 5'-GCTTCTCACATAGGGGCTTTTTTCCAGGTATTAGCCTCACTCATCATTCGCCTGGCCCTG[G>A]CTGAAACGTTCTGCCTCAACTGTGGCATCATTGCCTTGGATGAGCCAACAACAAATCTTG-3'
Protein context (NP_005723.2, residues 1208-1228): LASLIIRLAL[Ala1218Thr]ETFCLNCGII

ClinVar aggregate classification (germline): Uncertain significance (1 of 4 stars; one submission).

Conditions:
Hereditary cancer-predisposing syndrome. Also called: Hereditary neoplastic syndrome; Tumor predisposition; Neoplastic Syndromes, Hereditary; Hereditary Cancer Syndrome. Identifiers: Orphanet 140162, MedGen C0027672, MeSH D009386, MONDO:0015356.

Submission:

Labcorp Genetics (formerly Invitae), Labcorp
Classification: Uncertain significance for Hereditary cancer-predisposing syndrome. Last evaluated: 2023-05-12. Review status: criteria provided, single submitter. Criteria: Invitae Variant Classification Sherloc (09022015). Collection method: clinical testing. Allele origin: germline.
Comment: In summary, the available evidence is currently insufficient to determine the role of this variant in disease. Therefore, it has been classified as a Variant of Uncertain Significance. Advanced modeling of protein sequence and biophysical properties (such as structural, functional, and spatial information, amino acid conservation, physicochemical variation, residue mobility, and thermodynamic stability) performed at Invitae indicates that this missense variant is expected to disrupt RAD50 protein function. This variant has not been reported in the literature in individuals affected with RAD50-related conditions. This variant is not present in population databases (gnomAD no frequency). This sequence change replaces alanine, which is neutral and non-polar, with threonine, which is neutral and polar, at codon 1218 of the RAD50 protein (p.Ala1218Thr).